The following is an entry in ClinVar:

NM_001379610.1(SPINK1):c.194+5G>A

Gene: SPINK1 (serine peptidase inhibitor Kazal type 1; minus strand). Cytogenetic location: 5q32.
Variant type: single nucleotide variant.
Coding change: c.194+5G>A on transcript NM_001379610.1 (MANE Select); 5 bases into the intron after coding-DNA position 194, G replaced by A.
Molecular consequence: intron variant.
Genome position (GRCh38, 1-based): chr5:147,828,017, C>T on the plus strand (G>A on the coding strand, the complement: SPINK1 is on the minus strand). VCF-style: chr5-147828017-C-T. GRCh37 (hg19) VCF-style: chr5-147207580-C-T.
Other names: c.194+5G>A (NM_003122.4, NM_003122.5, NM_001354966.2).
Identifiers: ClinVar variation 3698447 (VCV003698447.4).
Genomic context (GRCh38, chr5:147,828,017, plus strand): 5'-TCAGTACACTTGAAGATAACTAACTTAAAATATATAGTTTAAAAGAAACTCAAGTTTGTA[C>T]TCACCGATTTTCAAAACATAACACGCATTCATTGGGATAAGTATTTCCATCAGTCCCACA-3'

ClinVar aggregate classification (germline): Uncertain significance. Review status: criteria provided, multiple submitters, no conflicts (2 of 4 stars). 3 submissions from 3 submitters: Uncertain significance (3). Last evaluated 2024-12-06.

Conditions:
Hereditary pancreatitis (PCTT). Also called: PRSS1-Related Hereditary Pancreatitis; Hereditary chronic pancreatitis. Identifiers: Orphanet 676, MedGen C0238339, MONDO:0008185, OMIM 167800.

gnomAD v4.1: 1 of 1,606,314 alleles (0.000062%); highest among the groups gnomAD compares: Non-Finnish European, 0.000085%; no homozygotes.

Submissions (3):

Mayo Clinic Laboratories, Mayo Clinic
Classification: Uncertain significance. Last evaluated: 2024-12-06. Review status: criteria provided, single submitter. Criteria: ACMG Guidelines, 2015. Collection method: clinical testing. Allele origin: germline. Observed: 1 variant allele.
Comment: BP4, PM2_supporting

Blueprint Genetics
Classification: Uncertain significance. Last evaluated: 2024-10-02. Review status: criteria provided, single submitter. Criteria: ACMG Guidelines, 2015. Collection method: clinical testing. Allele origin: germline.

Labcorp Genetics (formerly Invitae), Labcorp
Classification: Uncertain significance for Hereditary pancreatitis. Last evaluated: 2024-08-19. Review status: criteria provided, single submitter. Criteria: Invitae Variant Classification Sherloc (09022015). Collection method: clinical testing. Allele origin: germline.
Comment: This sequence change falls in intron 4 of the SPINK1 gene. It does not directly change the encoded amino acid sequence of the SPINK1 protein. It affects a nucleotide within the consensus splice site. This variant is not present in population databases (gnomAD no frequency). This variant has not been reported in the literature in individuals affected with SPINK1-related conditions. Variants that disrupt the consensus splice site are a relatively common cause of aberrant splicing (PMID: 17576681, 9536098). Algorithms developed to predict the effect of sequence changes on RNA splicing suggest that this variant may disrupt the consensus splice site. In summary, the available evidence is currently insufficient to determine the role of this variant in disease. Therefore, it has been classified as a Variant of Uncertain Significance.

Literature cited by the submitters: PubMed 25033378 (cited by Mayo Clinic Laboratories, Mayo Clinic); PubMed 17576681 (cited by Labcorp Genetics (formerly Invitae), Labcorp); PubMed 9536098 (cited by Labcorp Genetics (formerly Invitae), Labcorp).